The following is an entry in ClinVar:

NM_014975.3(MAST1):c.2573G>A (p.Arg858His)

Gene: MAST1 (microtubule associated serine/threonine kinase 1; plus strand). Cytogenetic location: 19p13.13.
Variant type: single nucleotide variant.
Coding change: c.2573G>A on transcript NM_014975.3 (MANE Select); coding-DNA position 2573, G replaced by A.
Protein change: p.Arg858His; replaces arginine 858 with histidine.
Molecular consequence: missense variant.
Genome position (GRCh38, 1-based): chr19:12,868,649, G>A. VCF-style: chr19-12868649-G-A. GRCh37 (hg19) VCF-style: chr19-12979463-G-A.
Other names: short protein forms R858H.
Identifiers: ClinVar variation 1961013 (VCV001961013.6), dbSNP rs767041987, ClinGen allele CA9233194.

ClinVar aggregate classification (germline): Uncertain significance. Review status: criteria provided, multiple submitters, no conflicts (2 of 4 stars). 2 submissions from 2 submitters: Uncertain significance (2). Last evaluated 2024-09-20.

Conditions:
Inborn genetic diseases. Identifiers: MedGen C0950123, MeSH D030342.

Allele frequency attached by ClinVar (database versions not stated): ExAC 0.00001.
gnomAD v4.1: 8 of 1,589,278 alleles (0.0005%); highest among the groups gnomAD compares: South Asian, 0.0023%; no homozygotes.

Submissions (2):

Labcorp Genetics (formerly Invitae), Labcorp
Classification: Uncertain significance. Last evaluated: 2024-09-20. Review status: criteria provided, single submitter. Criteria: Invitae Variant Classification Sherloc (09022015). Collection method: clinical testing. Allele origin: germline.
Comment: This sequence change replaces arginine, which is basic and polar, with histidine, which is basic and polar, at codon 858 of the MAST1 protein (p.Arg858His). This variant is present in population databases (rs767041987, gnomAD 0.003%). This variant has not been reported in the literature in individuals affected with MAST1-related conditions. ClinVar contains an entry for this variant (Variation ID: 1961013). An algorithm developed to predict the effect of missense changes on protein structure and function (PolyPhen-2) suggests that this variant is likely to be tolerated. In summary, the available evidence is currently insufficient to determine the role of this variant in disease. Therefore, it has been classified as a Variant of Uncertain Significance.

Ambry Genetics
Classification: Uncertain significance for Inborn genetic diseases. Last evaluated: 2022-11-08. Review status: criteria provided, single submitter. Criteria: Ambry Variant Classification Scheme 2023. Collection method: clinical testing. Allele origin: germline.